The following is an entry in ClinVar:

NM_018979.4(WNK1):c.3856A>G (p.Thr1286Ala)

Gene: WNK1 (WNK lysine deficient protein kinase 1; plus strand). Cytogenetic location: 12p13.33.
Variant type: single nucleotide variant.
Coding change: c.3856A>G on transcript NM_018979.4 (MANE Select); coding-DNA position 3856, A replaced by G.
Protein change: p.Thr1286Ala; replaces threonine 1286 with alanine.
Molecular consequence: missense variant.
Genome position (GRCh38, 1-based): chr12:884,660, A>G. VCF-style: chr12-884660-A-G. GRCh37 (hg19) VCF-style: chr12-993826-A-G.
Other names: c.4636A>G, p.Thr1546Ala (NM_001184985.2); c.3115A>G, p.Thr1039Ala (NM_014823.3); c.4612A>G, p.Thr1538Ala (NM_213655.5); short protein forms T1039A, T1286A, T1546A, T1538A.
Identifiers: ClinVar variation 1996917 (VCV001996917.4), dbSNP rs2549037564, ClinGen allele CA383330045.

ClinVar aggregate classification (germline): Uncertain significance (1 of 4 stars; one submission).

Conditions:
Neuropathy, hereditary sensory and autonomic, type 2A (HSAN2A). Also called: ACROOSTEOLYSIS, GIACCAI TYPE; ACROOSTEOLYSIS, NEUROGENIC; MORVAN DISEASE; NEUROPATHY, CONGENITAL SENSORY; NEUROPATHY, HEREDITARY SENSORY RADICULAR, AUTOSOMAL RECESSIVE; NEUROPATHY, HEREDITARY SENSORY, TYPE IIA. Identifiers: Orphanet 970, MedGen C2752089, MONDO:0024309, OMIM 201300.
Pseudohypoaldosteronism type 2C (PHA2C). Also called: Pseudohypoaldosteronism Type IIC. Identifiers: Orphanet 757, Orphanet 88940, MedGen C1840391, MONDO:0013778, OMIM 614492.

gnomAD v4.1: 1 of 1,614,158 alleles (0.000062%); no homozygotes.

Submission:

Labcorp Genetics (formerly Invitae), Labcorp
Classification: Uncertain significance for Neuropathy, hereditary sensory and autonomic, type 2A; Pseudohypoaldosteronism type 2C. Last evaluated: 2022-05-23. Review status: criteria provided, single submitter. Criteria: Invitae Variant Classification Sherloc (09022015). Collection method: clinical testing. Allele origin: germline.
Comment: This sequence change replaces threonine, which is neutral and polar, with alanine, which is neutral and non-polar, at codon 1538 of the WNK1 protein (p.Thr1538Ala). This variant is not present in population databases (gnomAD no frequency). In summary, the available evidence is currently insufficient to determine the role of this variant in disease. Therefore, it has been classified as a Variant of Uncertain Significance. Advanced modeling of protein sequence and biophysical properties (such as structural, functional, and spatial information, amino acid conservation, physicochemical variation, residue mobility, and thermodynamic stability) performed at Invitae indicates that this missense variant is not expected to disrupt WNK1 protein function. This variant has not been reported in the literature in individuals affected with WNK1-related conditions.